The following is an entry in ClinVar:

ClinVar aggregate classification (germline): Uncertain significance (1 of 4 stars; one submission).

Conditions:
Emery-Dreifuss muscular dystrophy 5, autosomal dominant (EDMD5). Also called: EMERY-DREIFUSS MUSCULAR DYSTROPHY 5. Identifiers: Orphanet 261, MedGen C2751805, MONDO:0013072, OMIM 612999.

Allele frequency attached by ClinVar (database versions not stated): gnomAD exomes below 0.00001; TOPMed below 0.00001.

Submission:

Labcorp Genetics (formerly Invitae), Labcorp
Classification: Uncertain significance for Emery-Dreifuss muscular dystrophy 5, autosomal dominant. Last evaluated: 2023-10-11. Review status: criteria provided, single submitter. Criteria: Invitae Variant Classification Sherloc (09022015). Collection method: clinical testing. Allele origin: germline.
Comment: This sequence change creates a premature translational stop signal (p.Met6602Ilefs*4) in the SYNE2 gene. It is expected to result in an absent or disrupted protein product. However, the current clinical and genetic evidence is not sufficient to establish whether loss-of-function variants in SYNE2 cause disease. This variant is not present in population databases (gnomAD no frequency). This variant has not been reported in the literature in individuals affected with SYNE2-related conditions. ClinVar contains an entry for this variant (Variation ID: 1487009). In summary, the available evidence is currently insufficient to determine the role of this variant in disease. Therefore, it has been classified as a Variant of Uncertain Significance.

NM_182914.3(SYNE2):c.19806_19813del (p.Met6602fs)

Gene: SYNE2 (spectrin repeat containing nuclear envelope protein 2; plus strand). Cytogenetic location: 14q23.2.
Variant type: Deletion.
Coding change: c.19806_19813del on transcript NM_182914.3 (MANE Select); coding-DNA positions 19806 to 19813, 8 bases deleted (GGCAAAGC; older notation c.19806_19813delGGCAAAGC).
Protein change: p.Met6602fs; shifts the reading frame from methionine 6602.
Molecular consequence: frameshift variant.
Genome position (GRCh38, 1-based): chr14:64,219,356-64,219,363, GGCAAAGC deleted. VCF-style (leftmost placement, unchanged base first): chr14-64219355-TGGCAAAGC-T. GRCh37 (hg19) VCF-style: chr14-64686073-TGGCAAAGC-T.
Other names: c.19737_19744del, p.Met6579fs (NM_015180.6); c.330_337del, p.Met110fs (NM_182910.2); c.708_715del, p.Met236fs (NM_182913.4); short protein forms M236fs, M6602fs, M110fs, M6579fs.
Identifiers: ClinVar variation 1487009 (VCV001487009.4), dbSNP rs2098683425, ClinGen allele CA2142574134.
Genomic context (GRCh38, chr14:64,219,355, plus strand): 5'-ATATCAGCGCCATCACTACTTGGCTGAAAAAAACTGAAGCAGAGCTGGAAATGTTAAAGA[TGGCAAAGC>T]CTCCCTCTGATATCCAGGAAATAGAACTGAGAGTGAAGAGACTGCAGGTGAGTTAGAGGT-3'